The following is an entry in ClinVar:

ClinVar aggregate classification (germline): Conflicting classifications of pathogenicity. Review status: criteria provided, conflicting classifications (1 of 4 stars). 2 submissions from 2 submitters: Likely pathogenic (1); Uncertain significance (1). Last evaluated 2024-11-04.

Conditions:
X-linked agammaglobulinemia with growth hormone deficiency (IGHD3). Also called: AGAMMAGLOBULINEMIA AND ISOLATED GROWTH HORMONE DEFICIENCY, X-LINKED; FLEISHER SYNDROME; HYPOGAMMAGLOBULINEMIA AND ISOLATED GROWTH HORMONE DEFICIENCY, X-LINKED; IGHD III; Isolated growth hormone deficiency type 3; Growth hormone deficiency with hypogammaglobulinemia. Identifiers: Orphanet 231692, Orphanet 631, MedGen C0472813, MONDO:0010615, OMIM 307200.

Submissions (2):

Labcorp Genetics (formerly Invitae), Labcorp
Classification: Uncertain significance for X-linked agammaglobulinemia with growth hormone deficiency. Last evaluated: 2024-11-04. Review status: criteria provided, single submitter. Criteria: Invitae Variant Classification Sherloc (09022015). Collection method: clinical testing. Allele origin: germline.
Comment: This sequence change replaces proline, which is neutral and non-polar, with serine, which is neutral and polar, at codon 597 of the BTK protein (p.Pro597Ser). This variant is not present in population databases (gnomAD no frequency). This variant has not been reported in the literature in individuals affected with BTK-related conditions. ClinVar contains an entry for this variant (Variation ID: 1058237). Invitae Evidence Modeling of protein sequence and biophysical properties (such as structural, functional, and spatial information, amino acid conservation, physicochemical variation, residue mobility, and thermodynamic stability) indicates that this missense variant is expected to disrupt BTK protein function with a positive predictive value of 95%. In summary, the available evidence is currently insufficient to determine the role of this variant in disease. Therefore, it has been classified as a Variant of Uncertain Significance.

GeneDx
Classification: Likely pathogenic. Last evaluated: 2019-07-30. Review status: criteria provided, single submitter. Criteria: GeneDx Variant Classification Process June 2021. Collection method: clinical testing. Allele origin: germline. Affected: yes.
Comment: Has not been previously published as pathogenic or benign to our knowledge; Not observed in large population cohorts (Lek et al., 2016); In silico analysis, which includes protein predictors and evolutionary conservation, supports a deleterious effect

NM_000061.3(BTK):c.1789C>T (p.Pro597Ser)

Gene: BTK (Bruton tyrosine kinase; minus strand). Cytogenetic location: Xq22.1.
Variant type: single nucleotide variant.
Coding change: c.1789C>T on transcript NM_000061.3 (MANE Select); coding-DNA position 1789, C replaced by T.
Protein change: p.Pro597Ser; replaces proline 597 with serine.
Molecular consequence: missense variant.
Genome position (GRCh38, 1-based): chrX:101,353,313, G>A on the plus strand (C>T on the coding strand, the complement: BTK is on the minus strand). VCF-style: chrX-101353313-G-A. GRCh37 (hg19) VCF-style: chrX-100608301-G-A.
Other names: c.1891C>T, p.Pro631Ser (NM_001287344.2); c.1261C>T, p.Pro421Ser (NM_001287345.2); short protein forms P421S, P597S, P631S.
Identifiers: ClinVar variation 1058237 (VCV001058237.11), dbSNP rs868967798, ClinGen allele CA413919351.